The following is an entry in ClinVar:

ClinVar aggregate classification (germline): Conflicting classifications of pathogenicity. Review status: criteria provided, conflicting classifications (1 of 4 stars). 4 submissions from 4 submitters: Uncertain significance (1); Likely benign (3). Last evaluated 2024-03-24.

Conditions:
Cardiovascular phenotype. Identifiers: MedGen CN230736.
Hypertrophic cardiomyopathy. Also called: HYPERTROPHIC MYOCARDIOPATHY. Identifiers: Orphanet 217569, MedGen C0007194, MeSH D002312, MONDO:0005045, HP:0001639.
Cardiomyopathy (CMYO). Also called: Cardiomyopathies. Identifiers: Orphanet 167848, MedGen C0878544, MONDO:0004994, HP:0001638. Inheritance: Various modes of inheritance.

Allele frequency attached by ClinVar (database versions not stated): gnomAD exomes below 0.00001 and 0.00001; ExAC 0.00001.
gnomAD v4.1: 4 of 1,614,126 alleles (0.00025%); highest among the groups gnomAD compares: South Asian, 0.0044%; no homozygotes.

Submissions (4):

All of Us Research Program, National Institutes of Health
Classification: Likely benign for Cardiomyopathy. Last evaluated: 2024-03-24. Review status: criteria provided, single submitter. Criteria: ACMG Guidelines, 2015. Collection method: clinical testing. Allele origin: germline. Inheritance: Autosomal dominant inheritance. Observed: 1 variant allele, 1 heterozygote.
Comment: This study involves interpretation of variants in research participants for the purpose of population health screening. Participant phenotype was not available at the time of variant classification. Additional details can be found in publication PMID: 35346344, PMCID: PMC8962531

Labcorp Genetics (formerly Invitae), Labcorp
Classification: Likely benign for Hypertrophic cardiomyopathy. Last evaluated: 2023-12-25. Review status: criteria provided, single submitter. Criteria: Invitae Variant Classification Sherloc (09022015). Collection method: clinical testing. Allele origin: germline.

Ambry Genetics
Classification: Uncertain significance for Cardiovascular phenotype. Last evaluated: 2023-07-15. Review status: criteria provided, single submitter. Criteria: Ambry Variant Classification Scheme 2023. Collection method: clinical testing. Allele origin: germline.
Comment: The c.3100-5A>G intronic variant results from an A to G substitution 5 nucleotides upstream from coding exon 23 in the MYH7 gene. This nucleotide position is not well conserved in available vertebrate species. In silico splice site analysis predicts that this alteration will not have any significant effect on splicing. Since supporting evidence is limited at this time, the clinical significance of this alteration remains unclear.

Color Diagnostics, LLC DBA Color Health
Classification: Likely benign for Cardiomyopathy. Last evaluated: 2019-01-31. Review status: criteria provided, single submitter. Criteria: ACMG Guidelines, 2015. Collection method: clinical testing. Allele origin: germline.

NM_000257.4(MYH7):c.3100-5A>G

Gene: MYH7 (myosin heavy chain 7; minus strand). Cytogenetic location: 14q11.2.
Variant type: single nucleotide variant.
Coding change: c.3100-5A>G on transcript NM_000257.4 (MANE Select); 5 bases into the intron before coding-DNA position 3100, A replaced by G.
Molecular consequence: intron variant.
Genome position (GRCh38, 1-based): chr14:23,422,330, T>C on the plus strand (A>G on the coding strand, the complement: MYH7 is on the minus strand). VCF-style: chr14-23422330-T-C. GRCh37 (hg19) VCF-style: chr14-23891539-T-C.
Identifiers: ClinVar variation 926248 (VCV000926248.13), dbSNP rs780522390, ClinGen allele CA035723.